The following is an entry in ClinVar:

ClinVar aggregate classification (germline): Conflicting classifications of pathogenicity. Review status: criteria provided, conflicting classifications (1 of 4 stars). 3 submissions from 3 submitters: Pathogenic (1); Uncertain significance (1). 1 of the submissions does not count toward it. Last evaluated 2026-04-16.

Conditions:
von Willebrand disorder (VWD). Also called: von Willebrand Diseases; Von Willebrand disease (hereditary or acquired); von Willebrand's disease. Identifiers: MedGen C0042974, MeSH D014842, MONDO:0024574.

Submissions (3):

Women's Health and Genetics/Laboratory Corporation of America, LabCorp
Classification: Pathogenic for von Willebrand disorder. Last evaluated: 2026-04-16. Review status: criteria provided, single submitter. Criteria: LabCorp Variant Classification Summary - May 2015. Collection method: clinical testing. Allele origin: germline.
Comment: Variant summary: VWF c.4735G>A (p.Gly1579Arg) results in a non-conservative amino acid change in the encoded protein sequence. Algorithms developed to predict the effect of missense changes on protein structure and function all suggest that this variant is likely to be disruptive. The variant was absent in 251146 control chromosomes. c.4735G>A has been observed in the heterozygous state in multiple individuals affected with autosomal dominant type 2A Von Willebrand Disease (VWD), including several members of a large family (e.g. Jacobi_2012, Vangenechten_2022). These data indicate that the variant is very likely to be associated with disease. At least one publication reports experimental evidence evaluating an impact on protein function and found the variant had the characteristics associated with type 2A VWD, resulting in normal VWF multimers with increased susceptibility to cleavage by ADAMTS13 (Jacobi_2012). The following publications have been ascertained in the context of this evaluation (PMID: 22431572, 36299619). ClinVar contains an entry for this variant (Variation ID: 100385). Based on the evidence outlined above, the variant was classified as pathogenic.

ARUP Laboratories, Molecular Genetics and Genomics, ARUP Laboratories
Classification: Uncertain significance. Last evaluated: 2017-09-01. Review status: criteria provided, single submitter. Criteria: ARUP Molecular Germline Variant Investigation Process. Collection method: clinical testing. Allele origin: germline.
Comment: The VWF c.4735G>A;p.Gly1579Arg variant has been published in the medical literature in at least two individuals with Von Willebrand disease type 2A (Jacobi 2012, Jiang 2012). The variant has been described as having functional defects consistent with type 2A (Jacobi 2012). The variant is listed in the ClinVar database (Variation ID: 100385) and the dbSNP variant database (rs61750113), but not in the general population-based databases (Exome Variant Server, Genome Aggregation Database). The amino acid at this position is well conserved across species and computational algorithms (AlignGVGD, PolyPhen2, SIFT) predict this variant is deleterious. There is insufficient evidence to classify this variant as pathogenic at this time; therefore, the clinical significance is uncertain. References: Jacobi PM et al. Intersection of mechanisms of type 2A VWD through defects in VWF multimerization, secretion, ADAMTS-13 susceptibility, and regulated storage. Blood. 2012 May 10;119(19):4543-53. Jiang LL et al. The phenotypic and genotypic diagnosis of three Chinese patients with von Willebrand disease. Zhonghua Nei Ke Za Zhi. 2012 Oct;51(10):788-92.

Academic Unit of Haematology, University of Sheffield
No classification provided. Review status: no classification provided. Collection method: not provided. Allele origin: not provided. Not counted in ClinVar's aggregate classification.

Literature cited by the submitters: PubMed 36299619 (cited by Women's Health and Genetics/Laboratory Corporation of America, LabCorp); PubMed 22431572 (cited by Women's Health and Genetics/Laboratory Corporation of America, LabCorp).

NM_000552.5(VWF):c.4735G>A (p.Gly1579Arg)

Gene: VWF (von Willebrand factor; minus strand). Cytogenetic location: 12p13.31.
Variant type: single nucleotide variant.
Coding change: c.4735G>A on transcript NM_000552.5 (MANE Select); coding-DNA position 4735, G replaced by A.
Protein change: p.Gly1579Arg; replaces glycine 1579 with arginine.
Molecular consequence: missense variant.
Genome position (GRCh38, 1-based): chr12:6,018,683, C>T on the plus strand (G>A on the coding strand, the complement: VWF is on the minus strand). VCF-style: chr12-6018683-C-T. GRCh37 (hg19) VCF-style: chr12-6127849-C-T.
Other names: short protein forms G1579R.
Identifiers: ClinVar variation 100385 (VCV000100385.9), dbSNP rs61750113, ClinGen allele CA228645.